The following is an entry in ClinVar:

NM_001378457.1(DMXL2):c.5650T>C (p.Leu1884=)

Gene: DMXL2 (Dmx like 2; minus strand). Cytogenetic location: 15q21.2.
Variant type: single nucleotide variant.
Coding change: c.5650T>C on transcript NM_001378457.1 (MANE Select); coding-DNA position 5650, T replaced by C.
Protein change: p.Leu1884=; no amino-acid change (leucine 1884 retained).
Molecular consequence: synonymous variant. On other transcripts: non-coding transcript variant (2).
Genome position (GRCh38, 1-based): chr15:51,481,456, A>G on the plus strand (T>C on the coding strand, the complement: DMXL2 is on the minus strand). VCF-style: chr15-51481456-A-G. GRCh37 (hg19) VCF-style: chr15-51773653-A-G.
Other names: c.5650T>C, p.Leu1884= (NM_001174116.3, NM_001378458.1, NM_001378459.1 and 4 more transcripts); c.3742T>C, p.Leu1248= (NM_001174117.3); c.3631T>C, p.Leu1211= (NM_001378460.1); c.5410T>C, p.Leu1804= (NM_001378464.1).
Identifiers: ClinVar variation 4999956 (VCV004999956.1).

ClinVar aggregate classification (germline): Likely benign (1 of 4 stars; one submission).

Conditions:
DMXL2-related disorder. Also called: DMXL2-related condition.

gnomAD v4.1: 1 of 1,612,770 alleles (0.000062%); highest among the groups gnomAD compares: Non-Finnish European, 0.000085%; no homozygotes.

Submission:

PreventionGenetics, part of Exact Sciences
Classification: Likely benign for DMXL2-related condition. Last evaluated: 2025-01-30. Review status: criteria provided, single submitter. Criteria: ACMG Guidelines, 2015. Collection method: clinical testing. Allele origin: germline.
Comment: This variant is classified as likely benign based on ACMG/AMP sequence variant interpretation guidelines (Richards et al. 2015 PMID: 25741868, with internal and published modifications).